The following is an entry in ClinVar:

NM_020163.3(SEMA3G):c.1020C>T (p.Ala340=)

Gene: SEMA3G (semaphorin 3G; minus strand). Cytogenetic location: 3p21.1.
Variant type: single nucleotide variant.
Coding change: c.1020C>T on transcript NM_020163.3 (MANE Select); coding-DNA position 1020, C replaced by T.
Protein change: p.Ala340=; no amino-acid change (alanine 340 retained).
Molecular consequence: synonymous variant.
Genome position (GRCh38, 1-based): chr3:52,440,500, G>A on the plus strand (C>T on the coding strand, the complement: SEMA3G is on the minus strand). VCF-style: chr3-52440500-G-A. GRCh37 (hg19) VCF-style: chr3-52474516-G-A.
Identifiers: ClinVar variation 3356264 (VCV003356264.1).

ClinVar aggregate classification (germline): Likely benign (0 of 4 stars; one submission).

Conditions:
SEMA3G-related disorder. Also called: SEMA3G-related condition.

Submission:

PreventionGenetics, part of Exact Sciences
Classification: Likely benign for SEMA3G-related condition. Last evaluated: 2023-11-22. Review status: no assertion criteria provided. Collection method: clinical testing. Allele origin: germline.
Comment: This variant is classified as likely benign based on ACMG/AMP sequence variant interpretation guidelines (Richards et al. 2015 PMID: 25741868, with internal and published modifications).